The following is an entry in ClinVar:

ClinVar aggregate classification (germline): Likely benign (1 of 4 stars; one submission).

Submission:

CeGaT Center for Human Genetics Tuebingen
Classification: Likely benign. Last evaluated: 2022-11-01. Review status: criteria provided, single submitter. Criteria: CeGaT Center For Human Genetics Tuebingen Variant Classification Criteria Version 2. Collection method: clinical testing. Allele origin: germline. Affected: yes. Observed: 2 variant alleles.
Comment: SOS1: BS1

NM_005633.4(SOS1):c.*3189_*3192del

Gene: SOS1 (SOS Ras/Rac guanine nucleotide exchange factor 1; minus strand). Cytogenetic location: 2p22.1.
Variant type: Deletion.
Coding change: c.*3189_*3192del on transcript NM_005633.4 (MANE Select); 3189 bases downstream of the stop codon through 3192 bases downstream of the stop codon, 4 bases deleted (TGTT; older notation c.*3189_*3192delTGTT).
Molecular consequence: 3 prime UTR variant.
Genome position (GRCh38, 1-based): chr2:38,982,632-38,982,635, AACA deleted on the plus strand (TGTT on the coding strand, the reverse complement: SOS1 is on the minus strand); deleting any 4 consecutive bases within chr2:38,982,632-38,982,637 gives the same sequence; the c. name uses the placement nearest the transcript's 3' end. VCF-style (leftmost placement, unchanged base first): chr2-38982631-GAACA-G. GRCh37 (hg19) VCF-style: chr2-39209772-GAACA-G.
Other names: c.*3189_*3192del (NM_001382394.1, NM_001382395.1).
Identifiers: ClinVar variation 335977 (VCV000335977.29), dbSNP rs572584074, ClinGen allele CA10615400.